The following is an entry in ClinVar:

ClinVar aggregate classification (germline): Benign. Review status: criteria provided, multiple submitters, no conflicts (2 of 4 stars). 2 submissions from 2 submitters: Benign (2). Last evaluated 2018-01-12.

Conditions:
Maple syrup urine disease (MSUD). Identifiers: Orphanet 511, MedGen C0024776, MeSH D008375, MONDO:0009563. Disease mechanism: loss of function.

Allele frequency attached by ClinVar (database versions not stated): 1000 Genomes Project 0.00539; 1000 Genomes Project 30x 0.00562; gnomAD 0.00655 and 0.00713; TOPMed 0.00722.

Submissions (2):

Illumina Laboratory Services, Illumina
Classification: Benign for Maple syrup urine disease type 1A. Last evaluated: 2018-01-12. Review status: criteria provided, single submitter. Criteria: ICSL Variant Classification Criteria 13 December 2019. Collection method: clinical testing. Allele origin: germline.
Comment: This variant was observed in the ICSL laboratory as part of a predisposition screen in an ostensibly healthy population. It had not been previously curated by ICSL or reported in the Human Gene Mutation Database (HGMD: prior to June 1st, 2018), and was therefore a candidate for classification through an automated scoring system. Utilizing variant allele frequency, disease prevalence and penetrance estimates, and inheritance mode, an automated score was calculated to assess if this variant is too frequent to cause the disease. Based on the score and internal cut-off values, a variant classified as benign is not then subjected to further curation. The score for this variant resulted in a classification of benign for this disease.

Breakthrough Genomics
Classification: Benign. Review status: criteria provided, single submitter. Criteria: ACMG Guidelines, 2015. Collection method: not provided. Allele origin: germline. Inheritance: Autosomal recessive inheritance. Affected: yes.

NM_001918.5(DBT):c.*8944A>G

Gene: DBT (dihydrolipoamide branched chain transacylase E2; minus strand). Cytogenetic location: 1p21.2.
Variant type: single nucleotide variant.
Coding change: c.*8944A>G on transcript NM_001918.5 (MANE Select); 8944 bases downstream of the stop codon, A replaced by G.
Molecular consequence: 3 prime UTR variant.
Genome position (GRCh38, 1-based): chr1:100,187,311, T>C on the plus strand (A>G on the coding strand, the complement: DBT is on the minus strand). VCF-style: chr1-100187311-T-C. GRCh37 (hg19) VCF-style: chr1-100652867-T-C.
Identifiers: ClinVar variation 875165 (VCV000875165.5), dbSNP rs77587629, ClinGen allele CA27595928.